The following is an entry in ClinVar:

ClinVar aggregate classification (germline): Uncertain significance. Review status: criteria provided, multiple submitters, no conflicts (2 of 4 stars). 2 submissions from 2 submitters: Uncertain significance (2). Last evaluated 2022-10-04.

Conditions:
Hereditary cancer-predisposing syndrome. Also called: Neoplastic Syndromes, Hereditary; Tumor predisposition; Hereditary neoplastic syndrome; Hereditary Cancer Syndrome. Identifiers: Orphanet 140162, MedGen C0027672, MeSH D009386, MONDO:0015356.

Submissions (2):

Ambry Genetics
Classification: Uncertain significance for Hereditary cancer-predisposing syndrome. Last evaluated: 2022-10-04. Review status: criteria provided, single submitter. Criteria: Ambry Variant Classification Scheme 2023. Collection method: clinical testing. Allele origin: germline.
Comment: The p.L1360P variant (also known as c.4079T>C), located in coding exon 32 of the POLE gene, results from a T to C substitution at nucleotide position 4079. The leucine at codon 1360 is replaced by proline, an amino acid with similar properties. This amino acid position is conserved. In addition, this alteration is predicted to be deleterious by in silico analysis. Since supporting evidence is limited at this time, the clinical significance of this alteration remains unclear.

Labcorp Genetics (formerly Invitae), Labcorp
Classification: Uncertain significance. Last evaluated: 2018-02-07. Review status: criteria provided, single submitter. Criteria: Invitae Variant Classification Sherloc (09022015). Collection method: clinical testing. Allele origin: germline.
Comment: Algorithms developed to predict the effect of missense changes on protein structure and function (SIFT, PolyPhen-2, Align-GVGD) all suggest that this variant is likely to be disruptive, but these predictions have not been confirmed by published functional studies and their clinical significance is uncertain. This variant has not been reported in the literature in individuals with POLE-related disease. This variant is not present in population databases (ExAC no frequency). This sequence change replaces leucine with proline at codon 1360 of the POLE protein (p.Leu1360Pro). The leucine residue is highly conserved and there is a moderate physicochemical difference between leucine and proline. In summary, the available evidence is currently insufficient to determine the role of this variant in disease. Therefore, it has been classified as a Variant of Uncertain Significance.

NM_006231.4(POLE):c.4079T>C (p.Leu1360Pro)

Gene: POLE (DNA polymerase epsilon, catalytic subunit; minus strand). Cytogenetic location: 12q24.33.
Variant type: single nucleotide variant.
Coding change: c.4079T>C on transcript NM_006231.4 (MANE Select); coding-DNA position 4079, T replaced by C.
Protein change: p.Leu1360Pro; replaces leucine 1360 with proline.
Molecular consequence: missense variant.
Genome position (GRCh38, 1-based): chr12:132,648,999, A>G on the plus strand (T>C on the coding strand, the complement: POLE is on the minus strand). VCF-style: chr12-132648999-A-G. GRCh37 (hg19) VCF-style: chr12-133225585-A-G.
Other names: short protein forms L1360P.
Identifiers: ClinVar variation 566977 (VCV000566977.11), dbSNP rs1565945357, ClinGen allele CA387383794.